The following is an entry in ClinVar:

NM_182760.4(SUMF1):c.505A>C (p.Asn169His)

Gene: SUMF1 (sulfatase modifying factor 1; minus strand). Cytogenetic location: 3p26.1.
Variant type: single nucleotide variant.
Coding change: c.505A>C on transcript NM_182760.4 (MANE Select); coding-DNA position 505, A replaced by C.
Protein change: p.Asn169His; replaces asparagine 169 with histidine.
Molecular consequence: missense variant. On other transcripts: intron variant (1).
Genome position (GRCh38, 1-based): chr3:4,449,280, T>G on the plus strand (A>C on the coding strand, the complement: SUMF1 is on the minus strand). VCF-style: chr3-4449280-T-G. GRCh37 (hg19) VCF-style: chr3-4490964-T-G.
Other names: c.505A>C, p.Asn169His (NM_001164675.2); c.444+3596A>C (NM_001164674.2); short protein forms N169H.
Identifiers: ClinVar variation 1361627 (VCV001361627.3), dbSNP rs377536906, ClinGen allele CA2230584.
Genomic context (GRCh38, chr3:4,449,280, plus strand): 5'-CAATGAGCCTTAGAGAAATACAGGAGCCTGTTGAAACATTACTTACTGCCTGTTGAATAT[T>G]GGTCTTCACTTGCTCACTCAACATGCCTTCAAAGACAAAGGAGTCGCCAAACTTCTCAGC-3'
Protein context (NP_877437.2, residues 159-179): EGMLSEQVKT[Asn169His]IQQAVAAAPW

ClinVar aggregate classification (germline): Uncertain significance (1 of 4 stars; one submission).

Conditions:
Multiple sulfatase deficiency (MSD). Also called: Mucosulfatidosis; Multiple Sulfatase Deficiency Disease; Sulfatidosis, Juvenile, Austin Type. Identifiers: Orphanet 585, MedGen C0268263, MONDO:0010088, OMIM 272200.

Allele frequency attached by ClinVar (database versions not stated): ExAC 0.00002; gnomAD exomes 0.00002; gnomAD 0.00004; TOPMed 0.00004; ESP Exome Variant Server 0.00008.
gnomAD v4.1: 57 of 1,614,064 alleles (0.0035%); highest among the groups gnomAD compares: Non-Finnish European, 0.0046%; no homozygotes.

Submission:

Labcorp Genetics (formerly Invitae), Labcorp
Classification: Uncertain significance for Multiple sulfatase deficiency. Last evaluated: 2022-05-22. Review status: criteria provided, single submitter. Criteria: Invitae Variant Classification Sherloc (09022015). Collection method: clinical testing. Allele origin: germline.
Comment: This sequence change replaces asparagine, which is neutral and polar, with histidine, which is basic and polar, at codon 169 of the SUMF1 protein (p.Asn169His). This variant is present in population databases (rs377536906, gnomAD 0.006%). This variant has not been reported in the literature in individuals affected with SUMF1-related conditions. Algorithms developed to predict the effect of missense changes on protein structure and function output the following: SIFT: "Tolerated"; PolyPhen-2: "Benign"; Align-GVGD: "Class C0". The histidine amino acid residue is found in multiple mammalian species, which suggests that this missense change does not adversely affect protein function. In summary, the available evidence is currently insufficient to determine the role of this variant in disease. Therefore, it has been classified as a Variant of Uncertain Significance.